The following is an entry in ClinVar:

ClinVar aggregate classification (germline): Uncertain significance (1 of 4 stars; one submission).

Allele frequency attached by ClinVar (database versions not stated): gnomAD exomes 0.00001; TOPMed 0.00002.

Submission:

Labcorp Genetics (formerly Invitae), Labcorp
Classification: Uncertain significance. Last evaluated: 2025-03-17. Review status: criteria provided, single submitter. Criteria: Invitae Variant Classification Sherloc (09022015). Collection method: clinical testing. Allele origin: germline.
Comment: This sequence change replaces tryptophan, which is neutral and slightly polar, with cysteine, which is neutral and slightly polar, at codon 995 of the ADAMTS18 protein (p.Trp995Cys). This variant is present in population databases (no rsID available, gnomAD 0.006%). This variant has not been reported in the literature in individuals affected with ADAMTS18-related conditions. ClinVar contains an entry for this variant (Variation ID: 935138). An algorithm developed to predict the effect of missense changes on protein structure and function (PolyPhen-2) suggests that this variant is likely to be disruptive. Algorithms developed to predict the effect of sequence changes on RNA splicing suggest that this variant may disrupt the consensus splice site. In summary, the available evidence is currently insufficient to determine the role of this variant in disease. Therefore, it has been classified as a Variant of Uncertain Significance.

NM_199355.4(ADAMTS18):c.2985G>T (p.Trp995Cys)

Gene: ADAMTS18 (ADAM metallopeptidase with thrombospondin type 1 motif 18; minus strand). Cytogenetic location: 16q23.1.
Variant type: single nucleotide variant.
Coding change: c.2985G>T on transcript NM_199355.4 (MANE Select); coding-DNA position 2985, G replaced by T.
Protein change: p.Trp995Cys; replaces tryptophan 995 with cysteine.
Molecular consequence: missense variant.
Genome position (GRCh38, 1-based): chr16:77,294,944, C>A on the plus strand (G>T on the coding strand, the complement: ADAMTS18 is on the minus strand). VCF-style: chr16-77294944-C-A. GRCh37 (hg19) VCF-style: chr16-77328841-C-A.
Other names: c.2469G>T, p.Trp823Cys (NM_001326358.2); short protein forms W823C, W995C.
Identifiers: ClinVar variation 935138 (VCV000935138.9), dbSNP rs1323954487, ClinGen allele CA396833323.
Genomic context (GRCh38, chr16:77,294,944, plus strand): 5'-GGGACCGAGAATAGTAACTCCCAAGTTTTCTCCTGTTACCTGAGACCAGGGTCCAAGGCT[C>A]CATTGTGGAGGGCAGGCATGGCTGTTGCAGGCTTGGACCTGAGTGGGTGTGCTCACTGGA-3'
Protein context (NP_955387.1, residues 985-1005): ACNSHACPPQ[Trp995Cys]SLGPWSQCSK